The following is an entry in ClinVar:

NM_014795.4(ZEB2):c.2905G>A (p.Ala969Thr)

Gene: ZEB2 (zinc finger E-box binding homeobox 2; minus strand). Cytogenetic location: 2q22.3.
Variant type: single nucleotide variant.
Coding change: c.2905G>A on transcript NM_014795.4 (MANE Select); coding-DNA position 2905, G replaced by A.
Protein change: p.Ala969Thr; replaces alanine 969 with threonine.
Molecular consequence: missense variant.
Genome position (GRCh38, 1-based): chr2:144,396,574, C>T on the plus strand (G>A on the coding strand, the complement: ZEB2 is on the minus strand). VCF-style: chr2-144396574-C-T. GRCh37 (hg19) VCF-style: chr2-145154141-C-T.
Other names: c.2833G>A, p.Ala945Thr (NM_001171653.2); short protein forms A945T, A969T.
Identifiers: ClinVar variation 2960633 (VCV002960633.3), dbSNP rs1323171469, ClinGen allele CA348704862.
Genomic context (GRCh38, chr2:144,396,574, plus strand): 5'-TGCGAGACAGACAGGAGTCGGAGTCTGTCATATCATCTAGGCCTGACATGTAGTCTTGTG[C>T]TCCATCAAGCAATTCTCCCTGCGATAGAATCACACAGTTCAATACAGTGGCTTCTCTTTG-3'
Protein context (NP_055610.1, residues 959-979): QGFQGELLDG[Ala969Thr]QDYMSGLDDM

ClinVar aggregate classification (germline): Uncertain significance (1 of 4 stars; one submission).

Conditions:
Mowat-Wilson syndrome (MOWS). Also called: Classic Mowat-Wilson Syndrome. Identifiers: Orphanet 2152, MedGen C1856113, MONDO:0009341, OMIM 235730.

Allele frequency attached by ClinVar (database versions not stated): gnomAD exomes below 0.00001.

Submission:

Labcorp Genetics (formerly Invitae), Labcorp
Classification: Uncertain significance for Mowat-Wilson syndrome. Last evaluated: 2025-11-03. Review status: criteria provided, single submitter. Criteria: Invitae Variant Classification Sherloc (09022015). Collection method: clinical testing. Allele origin: germline.
Comment: This sequence change replaces alanine, which is neutral and non-polar, with threonine, which is neutral and polar, at codon 969 of the ZEB2 protein (p.Ala969Thr). This variant is present in population databases (no rsID available, gnomAD 0.006%). This variant has not been reported in the literature in individuals affected with ZEB2-related conditions. ClinVar contains an entry for this variant (Variation ID: 2960633). Invitae Evidence Modeling of protein sequence and biophysical properties (such as structural, functional, and spatial information, amino acid conservation, physicochemical variation, residue mobility, and thermodynamic stability) indicates that this missense variant is not expected to disrupt ZEB2 protein function with a negative predictive value of 80%. In summary, the available evidence is currently insufficient to determine the role of this variant in disease. Therefore, it has been classified as a Variant of Uncertain Significance.